The following is an entry in ClinVar:

NM_133497.4(KCNV2):c.80G>A (p.Arg27His)

Gene: KCNV2 (potassium voltage-gated channel modifier subfamily V member 2; plus strand). Cytogenetic location: 9p24.2.
Variant type: single nucleotide variant.
Coding change: c.80G>A on transcript NM_133497.4 (MANE Select); coding-DNA position 80, G replaced by A.
Protein change: p.Arg27His; replaces arginine 27 with histidine.
Molecular consequence: missense variant.
Genome position (GRCh38, 1-based): chr9:2,717,819, G>A. VCF-style: chr9-2717819-G-A. GRCh37 (hg19) VCF-style: chr9-2717819-G-A.
Other names: short protein forms R27H.
Identifiers: ClinVar variation 143162 (VCV000143162.27), dbSNP rs145731729, ClinGen allele CA232858.
Genomic context (GRCh38, chr9:2,717,819, plus strand): 5'-GGAGACGGTCCTGGAGCTACAGGCCCTGGAACACGACGGAGAATGAGGGCAGCCAACACC[G>A]CAGGAGCATTTGCTCCCTGGGTGCCCGTTCCGGCTCCCAGGCCAGCATCCACGGCTGGAC-3'
Protein context (NP_598004.1, residues 17-37): NTTENEGSQH[Arg27His]RSICSLGARS

ClinVar aggregate classification (germline): Conflicting classifications of pathogenicity. Review status: criteria provided, conflicting classifications (1 of 4 stars). 9 submissions from 9 submitters: Uncertain significance (3); Benign (3); Likely benign (1). 2 of the submissions do not count toward it. Last evaluated 2026-03-01.

Conditions:
KCNV2-related disorder. Also called: KCNV2-related condition.
Retinal dystrophy. Also called: Inherited retinal dystrophy. Identifiers: Orphanet 71862, MedGen C0854723, MeSH D058499, MONDO:0019118, HP:0000556.
Cone dystrophy 3 (COD3). Also called: RETINAL CONE DYSTROPHY. Identifiers: Orphanet 1872, MedGen C1865869, MONDO:0011193, OMIM 602093.
Cone dystrophy with supernormal rod response (CDSRR). Also called: CONE DYSTROPHY WITH SUPERNORMAL ROD RESPONSES. Identifiers: Orphanet 209932, MedGen C1835897, MONDO:0012475, OMIM 610356.

Allele frequency attached by ClinVar (database versions not stated): gnomAD exomes 0.00041 and 0.00137; gnomAD 0.00044 and 0.00061; TOPMed 0.00073; ExAC 0.00134; 1000 Genomes Project 30x 0.00234; 1000 Genomes Project 0.00260.

Submissions (9):

CeGaT Center for Human Genetics Tuebingen
Classification: Likely benign. Last evaluated: 2026-03-01. Review status: criteria provided, single submitter. Criteria: CeGaT Center For Human Genetics Tuebingen Variant Classification Criteria Version 2. Collection method: clinical testing. Allele origin: germline. Affected: yes. Observed: 1 variant allele.
Comment: KCNV2: BS1

Labcorp Genetics (formerly Invitae), Labcorp
Classification: Benign. Last evaluated: 2026-01-01. Review status: criteria provided, single submitter. Criteria: Invitae Variant Classification Sherloc (09022015). Collection method: clinical testing. Allele origin: germline.

Institute of Human Genetics, Univ. Regensburg, Univ. Regensburg
Classification: Uncertain significance for Retinal dystrophy. Last evaluated: 2023-01-01. Review status: criteria provided, single submitter. Criteria: ACMG Guidelines, 2015. Collection method: clinical testing. Allele origin: germline. Affected: yes.

Mendelics
Classification: Benign for Cone dystrophy 3. Last evaluated: 2019-05-28. Review status: criteria provided, single submitter. Criteria: Mendelics Assertion Criteria 2017. Collection method: clinical testing. Allele origin: unknown.

Illumina Laboratory Services, Illumina
Classification: Benign for Cone dystrophy with supernormal rod response. Last evaluated: 2017-04-27. Review status: criteria provided, single submitter. Criteria: ICSL Variant Classification Criteria 13 December 2019. Collection method: clinical testing. Allele origin: germline.
Comment: This variant was observed as part of a predisposition screen in an ostensibly healthy population. A literature search was performed for the gene, cDNA change, and amino acid change (where applicable). Publications were found based on this search. The evidence from the literature, in combination with allele frequency data from public databases where available, was sufficient to rule this variant out of causing disease. Therefore, this variant is classified as benign.

Soonchunhyang University Bucheon Hospital, Soonchunhyang University Medical Center
Classification: Uncertain significance for Cone dystrophy with supernormal rod response. Last evaluated: 2016-03-18. Review status: criteria provided, single submitter. Criteria: ACMG Guidelines, 2015. Collection method: reference population. Allele origin: germline. Observed: 5 variant alleles.

Eurofins Ntd Llc (ga)
Classification: Uncertain significance. Last evaluated: 2014-06-10. Review status: criteria provided, single submitter. Criteria: EGL Classification Definitions 2015. Collection method: clinical testing. Allele origin: germline. Observed: 1 variant allele, 1 heterozygote.

PreventionGenetics, part of Exact Sciences
Classification: Likely benign for KCNV2-related condition. Last evaluated: 2019-04-02. Review status: no assertion criteria provided. Collection method: clinical testing. Allele origin: germline. Not counted in ClinVar's aggregate classification.
Comment: This variant is classified as likely benign based on ACMG/AMP sequence variant interpretation guidelines (Richards et al. 2015 PMID: 25741868, with internal and published modifications).

Department of Ophthalmology and Visual Sciences Kyoto University
Classification: Likely benign. Review status: no assertion criteria provided. Collection method: not provided. Allele origin: unknown. Not counted in ClinVar's aggregate classification.
ClinVar note: Converted during submission from probable-non-pathogenic to Likely benign.

Literature cited by the submitters: PubMed 23885164 (cited by 3 submitters); PubMed 31180159 (cited by Institute of Human Genetics, Univ. Regensburg, Univ. Regensburg); PubMed 34426522 (cited by Institute of Human Genetics, Univ. Regensburg, Univ. Regensburg).